The following is an entry in ClinVar:

ClinVar aggregate classification (germline): Uncertain significance. Review status: criteria provided, multiple submitters, no conflicts (2 of 4 stars). 2 submissions from 2 submitters: Uncertain significance (2). Last evaluated 2026-02-24.

Conditions:
Inborn genetic diseases. Identifiers: MedGen C0950123, MeSH D030342.

Submissions (2):

Ambry Genetics
Classification: Uncertain significance for Inborn genetic diseases. Last evaluated: 2026-02-24. Review status: criteria provided, single submitter. Criteria: Ambry Variant Classification Scheme 2023. Collection method: clinical testing. Allele origin: germline.

GeneDx
Classification: Uncertain significance. Last evaluated: 2023-11-10. Review status: criteria provided, single submitter. Criteria: GeneDx Variant Classification Process June 2021. Collection method: clinical testing. Allele origin: germline. Affected: yes.
Comment: Not observed at significant frequency in large population cohorts (gnomAD); In silico analysis supports that this missense variant has a deleterious effect on protein structure/function; Has not been previously published as pathogenic or benign to our knowledge; This variant is associated with the following publications: (PMID: 16281054)

NM_002582.4(PARN):c.859C>T (p.His287Tyr)

Gene: PARN (poly(A)-specific ribonuclease; minus strand). Cytogenetic location: 16p13.12.
Variant type: single nucleotide variant.
Coding change: c.859C>T on transcript NM_002582.4 (MANE Select); coding-DNA position 859, C replaced by T.
Protein change: p.His287Tyr; replaces histidine 287 with tyrosine.
Molecular consequence: missense variant.
Genome position (GRCh38, 1-based): chr16:14,593,360, G>A on the plus strand (C>T on the coding strand, the complement: PARN is on the minus strand). VCF-style: chr16-14593360-G-A. GRCh37 (hg19) VCF-style: chr16-14687217-G-A.
Other names: c.676C>T, p.His226Tyr (NM_001134477.3); c.721C>T, p.His241Tyr (NM_001242992.2); short protein forms H287Y, H226Y, H241Y.
Identifiers: ClinVar variation 2136003 (VCV002136003.3), dbSNP rs2507961071, ClinGen allele CA394804739.